The following is an entry in ClinVar:

NM_032119.4(ADGRV1):c.3149G>A (p.Arg1050Lys)

Gene: ADGRV1 (adhesion G protein-coupled receptor V1; plus strand). Cytogenetic location: 5q14.3.
Variant type: single nucleotide variant.
Coding change: c.3149G>A on transcript NM_032119.4 (MANE Select); coding-DNA position 3149, G replaced by A.
Protein change: p.Arg1050Lys; replaces arginine 1050 with lysine.
Molecular consequence: missense variant. On other transcripts: non-coding transcript variant (1).
Genome position (GRCh38, 1-based): chr5:90,647,624, G>A. VCF-style: chr5-90647624-G-A. GRCh37 (hg19) VCF-style: chr5-89943441-G-A.
Other names: short protein forms R1050K.
Identifiers: ClinVar variation 1995276 (VCV001995276.4), dbSNP rs1767979708, ClinGen allele CA360393517.

ClinVar aggregate classification (germline): Uncertain significance (1 of 4 stars; one submission).

Allele frequency attached by ClinVar (database versions not stated): gnomAD exomes below 0.00001.
gnomAD v4.1: 1 of 1,613,982 alleles (0.000062%); highest among the groups gnomAD compares: South Asian, 0.0011%; no homozygotes.

Submission:

Labcorp Genetics (formerly Invitae), Labcorp
Classification: Uncertain significance. Last evaluated: 2022-05-23. Review status: criteria provided, single submitter. Criteria: Invitae Variant Classification Sherloc (09022015). Collection method: clinical testing. Allele origin: germline.
Comment: This sequence change replaces arginine, which is basic and polar, with lysine, which is basic and polar, at codon 1050 of the ADGRV1 protein (p.Arg1050Lys). This variant is not present in population databases (gnomAD no frequency). In summary, the available evidence is currently insufficient to determine the role of this variant in disease. Therefore, it has been classified as a Variant of Uncertain Significance. Algorithms developed to predict the effect of missense changes on protein structure and function (SIFT, PolyPhen-2, Align-GVGD) all suggest that this variant is likely to be tolerated. This variant has not been reported in the literature in individuals affected with ADGRV1-related conditions.